The following is an entry in ClinVar:

ClinVar aggregate classification (germline): Likely benign (1 of 4 stars; one submission).

Allele frequency attached by ClinVar (database versions not stated): gnomAD exomes below 0.00001.
gnomAD v4.1: 2 of 1,606,944 alleles (0.00012%); highest among the groups gnomAD compares: Admixed American, 0.0017%; no homozygotes.

Submission:

GeneDx
Classification: Likely benign. Last evaluated: 2016-10-20. Review status: criteria provided, single submitter. Criteria: GeneDx Variant Classification (06012015). Collection method: clinical testing. Allele origin: germline. Affected: yes.
Comment: This variant is considered likely benign or benign based on one or more of the following criteria: it is a conservative change, it occurs at a poorly conserved position in the protein, it is predicted to be benign by multiple in silico algorithms, and/or has population frequency not consistent with disease.

NM_014362.4(HIBCH):c.882G>A (p.Glu294=)

Gene: HIBCH (3-hydroxyisobutyryl-CoA hydrolase; minus strand). Cytogenetic location: 2q32.2.
Variant type: single nucleotide variant.
Coding change: c.882G>A on transcript NM_014362.4 (MANE Select); coding-DNA position 882, G replaced by A.
Protein change: p.Glu294=; no amino-acid change (glutamic acid 294 retained).
Molecular consequence: synonymous variant.
Genome position (GRCh38, 1-based): chr2:190,244,896, C>T on the plus strand (G>A on the coding strand, the complement: HIBCH is on the minus strand). VCF-style: chr2-190244896-C-T. GRCh37 (hg19) VCF-style: chr2-191109622-C-T.
Other names: c.882G>A, p.Glu294= (NM_198047.3).
Identifiers: ClinVar variation 390256 (VCV000390256.1), dbSNP rs1057523698, ClinGen allele CA16604004.